The following is an entry in ClinVar:

NM_000075.4(CDK4):c.819+6G>A

Genes: CDK4 (cyclin dependent kinase 4; minus strand), TSPAN31 (tetraspanin 31; plus strand). Cytogenetic location: 12q14.1.
Variant type: single nucleotide variant.
Coding change: c.819+6G>A on transcript NM_000075.4 (MANE Select); 6 bases into the intron after coding-DNA position 819, G replaced by A.
Molecular consequence: intron variant. On other transcripts: 3 prime UTR variant (3).
Genome position (GRCh38, 1-based): chr12:57,749,176, C>T on the plus strand (G>A on the coding strand, the complement: CDK4 is on the minus strand). VCF-style: chr12-57749176-C-T. GRCh37 (hg19) VCF-style: chr12-58142959-C-T.
Other names: c.*1886C>T (NM_001330168.2, NM_001330169.2, NM_005981.5).
Identifiers: ClinVar variation 3676470 (VCV003676470.2).
Genomic context (GRCh38, chr12:57,749,176, plus strand): 5'-GCATACTGCTCTATTTCTTTCCCCAGTCTCTATTTCTTTCCCTGTGCCCACAGCCATCTC[C>T]AGTACCAGCAGCAGCTGTGCTCCCGACTCCTCCATCTCAGGTACCACCGACTGCACTGGG-3'

ClinVar aggregate classification (germline): Uncertain significance (1 of 4 stars; one submission).

Conditions:
Familial melanoma. Also called: Hereditary melanoma; Hereditary cutaneous melanoma. Identifiers: Orphanet 618, MedGen C1512419, MONDO:0018961.

gnomAD v4.1: 1 of 1,614,042 alleles (0.000062%); highest among the groups gnomAD compares: Non-Finnish European, 0.000085%; no homozygotes.

Submission:

Labcorp Genetics (formerly Invitae), Labcorp
Classification: Uncertain significance for Familial melanoma. Last evaluated: 2024-02-29. Review status: criteria provided, single submitter. Criteria: Invitae Variant Classification Sherloc (09022015). Collection method: clinical testing. Allele origin: germline.
Comment: This sequence change falls in intron 7 of the CDK4 gene. It does not directly change the encoded amino acid sequence of the CDK4 protein. It affects a nucleotide within the consensus splice site. This variant is not present in population databases (gnomAD no frequency). This variant has not been reported in the literature in individuals affected with CDK4-related conditions. Variants that disrupt the consensus splice site are a relatively common cause of aberrant splicing (PMID: 17576681, 9536098). Algorithms developed to predict the effect of sequence changes on RNA splicing suggest that this variant is not likely to affect RNA splicing. In summary, the available evidence is currently insufficient to determine the role of this variant in disease. Therefore, it has been classified as a Variant of Uncertain Significance.

Literature cited by the submitters: PubMed 17576681; PubMed 9536098.